The following is an entry in ClinVar:

ClinVar aggregate classification (germline): Likely pathogenic. Review status: criteria provided, multiple submitters, no conflicts (2 of 4 stars). 2 submissions from 2 submitters: Likely pathogenic (2). Last evaluated 2020-10-27.

Conditions:
Primary dilated cardiomyopathy (DCM). Also called: Dilated Cardiomyopathy. Identifiers: Orphanet 217604, MedGen C0007193, MeSH D002311, MONDO:0005021, HP:0001644. Inheritance: Various modes of inheritance.
Dilated cardiomyopathy 1G (CMD1G). Identifiers: Orphanet 154, MedGen C1858763, MONDO:0011400, OMIM 604145.
Autosomal recessive limb-girdle muscular dystrophy type 2J (LGMDR10). Also called: Limb-girdle muscular dystrophy, type 2J; MUSCULAR DYSTROPHY, LIMB-GIRDLE, AUTOSOMAL RECESSIVE 10. Identifiers: Orphanet 140922, MedGen C1837342, MONDO:0012127, OMIM 608807.

Allele frequency attached by ClinVar (database versions not stated): gnomAD exomes below 0.00001.
gnomAD v4.1: 1 of 1,613,722 alleles (0.000062%); highest among the groups gnomAD compares: South Asian, 0.0011%; no homozygotes.

Submissions (2):

Labcorp Genetics (formerly Invitae), Labcorp
Classification: Likely pathogenic for Dilated cardiomyopathy 1G; Autosomal recessive limb-girdle muscular dystrophy type 2J. Last evaluated: 2020-10-27. Review status: criteria provided, single submitter. Criteria: Invitae Variant Classification Sherloc (09022015). Collection method: clinical testing. Allele origin: germline.
Comment: This variant is located in the A band of TTN (PMID: 25589632). Truncating variants in this region are significantly overrepresented in patients affected with dilated cardiomyopathy (PMID: 25589632). Truncating variants in this region have also been reported in individuals affected with autosomal recessive centronuclear myopathy (PMID: 23975875). This sequence change results in a premature translational stop signal in the TTN gene (p.Tyr29235*). While this is not anticipated to result in nonsense mediated decay, it is expected to create a truncated TTN protein. This variant is not present in population databases (ExAC no frequency). This variant has not been reported in the literature in individuals with TTN-related conditions. In summary, the currently available evidence indicates that the variant is pathogenic, but additional data are needed to prove that conclusively. Therefore, this variant has been classified as Likely Pathogenic.

Laboratory for Molecular Medicine, Mass General Brigham Personalized Medicine
Classification: Likely pathogenic for Primary dilated cardiomyopathy. Last evaluated: 2019-02-21. Review status: criteria provided, single submitter. Criteria: LMM Criteria. Collection method: clinical testing. Allele origin: germline. Inheritance: Autosomal dominant inheritance. Observed: 1 variant allele.
Comment: The p.Tyr26667X variant in TTN has not been previously reported in individuals with cardiomyopathy and was absent from large population studies. This nonsense variant leads to a premature termination codon at position 26667, which is predicted to lead to a truncated or absent protein. Nonsense and other truncating variants in TTN are strongly associated with DCM if they impact the exons encoding for the A-band (Herman 2012, Pugh 2014) and/or are located in an exon that is highly expressed in the heart (Roberts 2015). The p.Tyr26667X variant is located in the A-band in a highly expressed exon. In summary, although additional studies are required to fully establish its clinical significance, this variant meets criteria to be classified as likely pathogenic for autosomal dominant DCM. ACMG/AMP Criteria applied: PVS1, PM2.

Literature cited by the submitters: PubMed 25589632 (cited by Labcorp Genetics (formerly Invitae), Labcorp); PubMed 23975875 (cited by Labcorp Genetics (formerly Invitae), Labcorp).

NM_001267550.2(TTN):c.87705C>G (p.Tyr29235Ter)

Genes: TTN (titin; minus strand), TTN-AS1 (TTN antisense RNA 1; plus strand). Cytogenetic location: 2q31.2.
Variant type: single nucleotide variant.
Coding change: c.87705C>G on transcript NM_001267550.2 (MANE Select); coding-DNA position 87705, C replaced by G.
Protein change: p.Tyr29235Ter; replaces tyrosine 29235 with a stop codon.
Molecular consequence: nonsense.
Genome position (GRCh38, 1-based): chr2:178,557,649, G>C on the plus strand (C>G on the coding strand, the complement: TTN is on the minus strand). VCF-style: chr2-178557649-G-C. GRCh37 (hg19) VCF-style: chr2-179422376-G-C.
Other names: c.82782C>G, p.Tyr27594Ter (NM_001256850.1); c.60510C>G, p.Tyr20170Ter (NM_003319.4); c.80001C>G, p.Tyr26667Ter (NM_133378.4); c.60885C>G, p.Tyr20295Ter (NM_133432.3); c.61086C>G, p.Tyr20362Ter (NM_133437.4); short protein forms Y20170*, Y26667*, Y20295*, Y20362*, Y27594*, Y29235*.
Identifiers: ClinVar variation 647447 (VCV000647447.16), dbSNP rs1575584918, ClinGen allele CA349534715.
Genomic context (GRCh38, chr2:178,557,649, plus strand): 5'-GACAATAACACATTTATGGTAAAAGAAAACCTGGATCTTTGAAAAGTTGGACAACTTACT[G>C]TATGGTAGTTTGACAGTCACACAAGCTGAATCTATATGATCACTGATGCCAAAGCGGTTT-3'